The following is an entry in ClinVar:

NM_015443.4(KANSL1):c.2812G>T (p.Val938Leu)

Gene: KANSL1 (KAT8 regulatory NSL complex subunit 1). Cytogenetic location: 17q21.31.
Variant type: single nucleotide variant.
Coding change: c.2812G>T on transcript NM_015443.4 (MANE Select); coding-DNA position 2812, G replaced by T.
Protein change: p.Val938Leu; replaces valine 938 with leucine.
Molecular consequence: missense variant.
Genome position (GRCh38, 1-based): chr17:46,033,105, C>A on the plus strand (G>T on the coding strand, the complement: KANSL1 is on the minus strand). VCF-style: chr17-46033105-C-A. GRCh37 (hg19) VCF-style: chr17-44110471-C-A.
Other names: c.2809G>T, p.Val937Leu (NM_001193465.2); c.2812G>T, p.Val938Leu (NM_001193466.2, NM_001379198.1); short protein forms V937L, V938L.
Identifiers: ClinVar variation 1017016 (VCV001017016.6), dbSNP rs774259324, ClinGen allele CA8618442.

ClinVar aggregate classification (germline): Uncertain significance (1 of 4 stars; one submission).

Conditions:
Koolen-de Vries syndrome (KDVS). Identifiers: Orphanet 96169, MedGen C1864871, MONDO:0012496, OMIM 610443.

Allele frequency attached by ClinVar (database versions not stated): gnomAD exomes below 0.00001; gnomAD 0.00001; ExAC 0.00002.
gnomAD v4.1: 2 of 1,596,348 alleles (0.00013%); highest among the groups gnomAD compares: Admixed American, 0.0034%; no homozygotes.

Submission:

Labcorp Genetics (formerly Invitae), Labcorp
Classification: Uncertain significance for Koolen-de Vries syndrome. Last evaluated: 2022-03-19. Review status: criteria provided, single submitter. Criteria: Invitae Variant Classification Sherloc (09022015). Collection method: clinical testing. Allele origin: germline.
Comment: In summary, the available evidence is currently insufficient to determine the role of this variant in disease. Therefore, it has been classified as a Variant of Uncertain Significance. This sequence change replaces valine, which is neutral and non-polar, with leucine, which is neutral and non-polar, at codon 938 of the KANSL1 protein (p.Val938Leu). The frequency data for this variant in the population databases is considered unreliable, as metrics indicate poor data quality at this position in the gnomAD database. This variant has not been reported in the literature in individuals affected with KANSL1-related conditions. ClinVar contains an entry for this variant (Variation ID: 1017016). Algorithms developed to predict the effect of missense changes on protein structure and function (SIFT, PolyPhen-2, Align-GVGD) all suggest that this variant is likely to be tolerated.